The following is an entry in ClinVar:

ClinVar aggregate classification (germline): Likely pathogenic (1 of 4 stars; one submission).

Conditions:
Hereditary cancer-predisposing syndrome. Also called: Neoplastic Syndromes, Hereditary; Tumor predisposition; Hereditary neoplastic syndrome; Hereditary Cancer Syndrome. Identifiers: Orphanet 140162, MedGen C0027672, MeSH D009386, MONDO:0015356.

Submission:

Ambry Genetics
Classification: Likely pathogenic for Hereditary cancer-predisposing syndrome. Last evaluated: 2023-11-29. Review status: criteria provided, single submitter. Criteria: Ambry Variant Classification Scheme 2023. Collection method: clinical testing. Allele origin: germline.
Comment: The c.22_38del17 variant, located in coding exon 1 of the SUFU gene, results from a deletion of 17 nucleotides at nucleotide positions 22 to 38, causing a translational frameshift with a predicted alternate stop codon (p.G8Rfs*34). The predicted stop codon occurs in the 5&rsquo; end of the SUFU gene. Premature termination codons in the 5&rsquo; end of a gene have been reported to escape nonsense-mediated mRNAdecay and/or lead to re-initiation (Rivas et al. Science. 2015 May 8;348(6235):666-9; Lindeboom et al. Nat Genet. 2016 Oct;48(10):1112-8; Rhee et al. Sci Rep. 2017 May 10;7(1):1653). Direct evidence for this alteration is unavailable, however premature termination codons are typically deleterious in nature. This alteration has been observed in at least one individual with a personal and/or family history that is consistent with SUFU-related disease (Ambry internal data). This variant is considered to be rare based on population cohorts in the Genome Aggregation Database (gnomAD). Based on the majority of available evidence to date, this variant is likely to be pathogenic.

NM_016169.4(SUFU):c.22_38del (p.Gly8fs)

Genes: SUFU (SUFU negative regulator of hedgehog signaling; plus strand), LOC130004614 (ATAC-STARR-seq lymphoblastoid silent region 2764; plus strand). Cytogenetic location: 10q24.32.
Variant type: Deletion.
Coding change: c.22_38del on transcript NM_016169.4 (MANE Select); coding-DNA positions 22 to 38, 17 bases deleted (GGCGCCCCCGGCCCCAC).
Protein change: p.Gly8fs; shifts the reading frame from glycine 8.
Molecular consequence: frameshift variant.
Genome position (GRCh38, 1-based): chr10:102,504,174-102,504,190, GGCGCCCCCGGCCCCAC deleted; deleting any 17 consecutive bases within chr10:102,504,173-102,504,190 gives the same sequence; the c. name uses the placement nearest the transcript's 3' end. VCF-style (leftmost placement, unchanged base first): chr10-102504172-GCGGCGCCCCCGGCCCCA-G. GRCh37 (hg19) VCF-style: chr10-104263929-GCGGCGCCCCCGGCCCCA-G.
Other names: c.22_38del, p.Gly8fs (NM_001178133.2); short protein forms G8fs.
Identifiers: ClinVar variation 3226875 (VCV003226875.1), dbSNP rs2544829884, ClinGen allele CA2825001676.